The following is an entry in ClinVar:

NM_001378615.1(CC2D2A):c.4333C>T (p.Arg1445Ter)

Genes: CC2D2A (coiled-coil and C2 domain containing 2A; plus strand), FBXL5 (F-box and leucine rich repeat protein 5; minus strand). Cytogenetic location: 4p15.32.
Variant type: single nucleotide variant.
Coding change: c.4333C>T on transcript NM_001378615.1 (MANE Select); coding-DNA position 4333, C replaced by T.
Protein change: p.Arg1445Ter; replaces arginine 1445 with a stop codon.
Molecular consequence: nonsense.
Genome position (GRCh38, 1-based): chr4:15,596,103, C>T. VCF-style: chr4-15596103-C-T. GRCh37 (hg19) VCF-style: chr4-15597726-C-T.
Other names: c.4333C>T, p.Arg1445Ter (NM_001080522.2); c.4186C>T, p.Arg1396Ter (NM_001378617.1); short protein forms R1396*, R1445*.
Identifiers: ClinVar variation 1317486 (VCV001317486.12), dbSNP rs529437224, ClinGen allele CA2864376.

ClinVar aggregate classification (germline): Pathogenic/Likely pathogenic. Review status: criteria provided, multiple submitters, no conflicts (2 of 4 stars). 6 submissions from 6 submitters: Pathogenic (4); Likely pathogenic (2). Last evaluated 2026-01-28.

Conditions:
Joubert syndrome 9 (JBTS9). Identifiers: Orphanet 2318, MedGen C2676788, MONDO:0012849, OMIM 612285.
COACH syndrome 2. Identifiers: MedGen C5436837, MONDO:0030859, OMIM 619111.
Meckel syndrome, type 6. Identifiers: Orphanet 564, MedGen C2676790, MONDO:0012848, OMIM 612284.
Retinitis pigmentosa 93. Identifiers: MedGen C5676970, MONDO:0030797, OMIM 619845.
Joubert syndrome and related disorders. Identifiers: Orphanet 140874, MedGen C5679612, MONDO:0015369.
CC2D2A-related disorder. Also called: CC2D2A-related disorders; CC2D2A-related condition. Identifiers: MedGen CN239313.
Joubert syndrome. Also called: JOUBERT-BOLTSHAUSER SYNDROME; Familial aplasia of the vermis. Identifiers: Orphanet 475, MedGen C5979921, MONDO:0018772.
Meckel-Gruber syndrome. Also called: DYSENCEPHALIA SPLANCHNOCYSTICA; GRUBER SYNDROME; Dysencephalia splachnocystica. Identifiers: Orphanet 564, MedGen C0265215, MONDO:0018921.

Allele frequency attached by ClinVar (database versions not stated): gnomAD 0.00001; gnomAD exomes 0.00002 and 0.00003; TOPMed 0.00002; ExAC 0.00005; 1000 Genomes Project 30x 0.00016; 1000 Genomes Project 0.00020.
gnomAD v4.1: 35 of 1,547,112 alleles (0.0023%); highest among the groups gnomAD compares: East Asian, 0.0049%; no homozygotes.

Submissions (6):

Labcorp Genetics (formerly Invitae), Labcorp
Classification: Pathogenic for Joubert syndrome; Meckel-Gruber syndrome. Last evaluated: 2026-01-28. Review status: criteria provided, single submitter. Criteria: Invitae Variant Classification Sherloc (09022015). Collection method: clinical testing. Allele origin: germline.
Comment: This sequence change creates a premature translational stop signal (p.Arg1445*) in the CC2D2A gene. It is expected to result in an absent or disrupted protein product. Loss-of-function variants in CC2D2A are known to be pathogenic (PMID: 19777577). This variant is present in population databases (rs529437224, gnomAD 0.01%). This premature translational stop signal has been observed in individual(s) with CC2D2A-related conditions (PMID: 30091983). ClinVar contains an entry for this variant (Variation ID: 1317486). Algorithms developed to predict the effect of sequence changes on RNA splicing suggest that this variant may disrupt the consensus splice site. For these reasons, this variant has been classified as Pathogenic.

Myriad Genetics, Inc.
Classification: Pathogenic for Joubert syndrome and related disorders. Last evaluated: 2024-06-18. Review status: criteria provided, single submitter. Criteria: Myriad Autosomal Dominant, Autosomal Recessive and X-Linked Classification Criteria (2023). Collection method: clinical testing. Allele origin: unknown.
Comment: NM_001080522.2(CC2D2A):c.4333C>T(R1445*) is expected to be pathogenic in the context of CC2D2A-related disorders. This variant is predicted to lead to an abnormal or absent protein product due to the creation of a premature termination codon in CC2D2A, a gene where loss-of-function variants are known to be pathogenic. Please note: this variant was assessed in the context of healthy population screening.

3billion
Classification: Pathogenic for Joubert syndrome 9. Last evaluated: 2021-10-02. Review status: criteria provided, single submitter. Criteria: ACMG Guidelines, 2015. Collection method: clinical testing. Allele origin: maternal. Affected: yes. Observed: 1 heterozygote.
Comment: Stop-gained (nonsense): predicted to result in a loss or disruption of normal protein function through nonsense-mediated decay (NMD) or protein truncation. Multiple pathogenic variants are reported downstream of the variant (PVS1_VS). It is observed at an extremely low frequency in the gnomAD v2.1.1 dataset (total allele frequency: 0.000027, PM2). Patient's phenotype is considered compatible with Joubert syndrome 9 (3billion dataset, PP4). Therefore, this variant is classified as pathogenic according to the recommendation of ACMG/AMP guideline.

Blueprint Genetics
Classification: Likely pathogenic for CC2D2A-related disorders. Last evaluated: 2021-08-06. Review status: criteria provided, single submitter. Criteria: ACMG Guidelines, 2015. Collection method: clinical testing. Allele origin: germline. Affected: yes. Observed: 5 variant alleles.

GeneDx
Classification: Likely pathogenic. Last evaluated: 2021-07-20. Review status: criteria provided, single submitter. Criteria: GeneDx Variant Classification Process June 2021. Collection method: clinical testing. Allele origin: germline. Affected: yes.
Comment: Reported previously as a likely pathogenic variant in the heterozygous state in a patient with intellectual disability and developmental delay; however, further clinical and segregation information was not provided (Gieldon et al., 2018); Nonsense variant predicted to result in protein truncation or nonsense mediated decay in a gene for which loss-of-function is a known mechanism of disease; Not observed at significant frequency in large population cohorts (Lek et al., 2016); This variant is associated with the following publications: (PMID: 27535533, 30091983)

Juno Genomics, Hangzhou Juno Genomics, Inc
Classification: Pathogenic for COACH syndrome 2; Joubert syndrome 9; Meckel syndrome, type 6; Retinitis pigmentosa 93. Review status: criteria provided, single submitter. Criteria: ACMG Guidelines, 2015. Collection method: clinical testing. Allele origin: germline.
Comment: Absent from controls (or at extremely low frequency if recessive) in Genome Aggregation Database.;Null variant in a gene where loss of function (LOF) is a known mechanism of disease.;For recessive disorders, detected in trans with a pathogenic variant.;Patient's phenotype or family history is highly specific for a disease with a single genetic etiology.

Literature cited by the submitters: PubMed 19777577 (cited by Labcorp Genetics (formerly Invitae), Labcorp); PubMed 30091983 (cited by Labcorp Genetics (formerly Invitae), Labcorp).